The following is an entry in ClinVar:

ClinVar aggregate classification (germline): Likely benign (1 of 4 stars; one submission).

Allele frequency attached by ClinVar (database versions not stated): gnomAD exomes below 0.00001 and 0.00001; TOPMed below 0.00001; ExAC 0.00001.
gnomAD v4.1: 2 of 1,613,724 alleles (0.00012%); highest among the groups gnomAD compares: East Asian, 0.0045%; no homozygotes.

Submission:

GeneDx
Classification: Likely benign. Last evaluated: 2017-05-01. Review status: criteria provided, single submitter. Criteria: GeneDx Variant Classification (06012015). Collection method: clinical testing. Allele origin: germline. Affected: yes.
Comment: This variant is considered likely benign or benign based on one or more of the following criteria: it is a conservative change, it occurs at a poorly conserved position in the protein, it is predicted to be benign by multiple in silico algorithms, and/or has population frequency not consistent with disease.

NM_001130438.3(SPTAN1):c.7260C>T (p.Ala2420=)

Gene: SPTAN1 (spectrin alpha, non-erythrocytic 1; plus strand). Cytogenetic location: 9q34.11.
Variant type: single nucleotide variant.
Coding change: c.7260C>T on transcript NM_001130438.3 (MANE Select); coding-DNA position 7260, C replaced by T.
Protein change: p.Ala2420=; no amino-acid change (alanine 2420 retained).
Molecular consequence: synonymous variant.
Genome position (GRCh38, 1-based): chr9:128,632,907, C>T. VCF-style: chr9-128632907-C-T. GRCh37 (hg19) VCF-style: chr9-131395186-C-T.
Other names: c.7185C>T, p.Ala2395= (NM_001195532.2); c.7323C>T, p.Ala2441= (NM_001363759.2); c.7200C>T, p.Ala2400= (NM_001363765.2); c.7245C>T, p.Ala2415= (NM_003127.4).
Identifiers: ClinVar variation 509322 (VCV000509322.1), dbSNP rs760748641, ClinGen allele CA5266045.